The following is an entry in ClinVar:

ClinVar aggregate classification (germline): Uncertain significance. Review status: criteria provided, multiple submitters, no conflicts (2 of 4 stars). 5 submissions from 5 submitters: Uncertain significance (4). 1 of the submissions does not count toward it. Last evaluated 2025-02-10.

Conditions:
VWF-related disorder. Also called: VWF-related disorders; VWF-related condition.

Allele frequency attached by ClinVar (database versions not stated): gnomAD 0.00019; TOPMed 0.00023; gnomAD exomes 0.00005; ExAC 0.00013; ESP Exome Variant Server 0.00046.
gnomAD v4.1: 112 of 1,613,442 alleles (0.0069%); highest among the groups gnomAD compares: African/African-American, 0.04%; 1 homozygote.

Submissions (6):

Mayo Clinic Laboratories, Mayo Clinic
Classification: Uncertain significance. Last evaluated: 2025-02-10. Review status: criteria provided, single submitter. Criteria: ACMG Guidelines, 2015. Collection method: clinical testing. Allele origin: germline. Observed: 2 variant alleles.
Comment: PM1_supporting

Women's Health and Genetics/Laboratory Corporation of America, LabCorp
Classification: Uncertain significance. Last evaluated: 2024-11-25. Review status: criteria provided, single submitter. Criteria: LabCorp Variant Classification Summary - May 2015. Collection method: clinical testing. Allele origin: germline.
Comment: Variant summary: VWF c.7774G>A (p.Gly2592Arg) results in a non-conservative amino acid change in the encoded protein sequence. Five of five in-silico tools predict a damaging effect of the variant on protein function. The variant allele was found at a frequency of 0.00018 in 250798 control chromosomes in the gnomAD database, including 1 homozygote. This frequency is not significantly higher than estimated for a pathogenic variant in VWF causing Von Willebrand Disease, allowing no conclusion about variant significance. To our knowledge, no occurrence of c.7774G>A in individuals affected with Von Willebrand Disease and no experimental evidence demonstrating its impact on protein function have been reported. ClinVar contains an entry for this variant (Variation ID: 2682131). Based on the evidence outlined above, the variant was classified as uncertain significance.

ARUP Laboratories, Molecular Genetics and Genomics, ARUP Laboratories
Classification: Uncertain significance. Last evaluated: 2024-09-24. Review status: criteria provided, single submitter. Criteria: ARUP Molecular Germline Variant Investigation Process 2024. Collection method: clinical testing. Allele origin: germline.
Comment: The VWF c.7774G>A; p.Gly2592Arg variant (rs142316324), to our knowledge, is not reported in the medical literature but is reported in ClinVar (Variation ID: 2682131). This variant is observed in the general population with an overall allele frequency of 0.02% (47/282158 alleles, including 1 homozygote) in the Genome Aggregation Database (v2.1.1). Computational analyses are uncertain whether this variant is neutral or deleterious (REVEL: 0.609). Due to limited information, the clinical significance of this variant is uncertain at this time.

Quest Diagnostics Nichols Institute San Juan Capistrano
Classification: Uncertain significance. Last evaluated: 2023-09-09. Review status: criteria provided, single submitter. Criteria: Quest Diagnostics criteria. Collection method: clinical testing. Allele origin: unknown.
Comment: To the best of our knowledge, this variant has not been reported in the published literature. The frequency of this variant in the general population, 0.0026 (27/10368 chromosomes (Genome Aggregation Database)), is uninformative in the assessment of its pathogenicity. Analysis of this variant using bioinformatics tools for the prediction of the effect of amino acid changes on protein structure and function yielded conflicting predictions that this variant is benign or damaging. Based on the available information, we are unable to determine the clinical significance of this variant.

PreventionGenetics, part of Exact Sciences
Classification: Likely benign for VWF-related condition. Last evaluated: 2024-09-11. Review status: no assertion criteria provided. Collection method: clinical testing. Allele origin: germline. Not counted in ClinVar's aggregate classification.
Comment: This variant is classified as likely benign based on ACMG/AMP sequence variant interpretation guidelines (Richards et al. 2015 PMID: 25741868, with internal and published modifications).

Dr. Peter K. Rogan Lab, Western University
No classification provided (evidence only). Condition: Uterine corpus endometrial carcinoma. Review status: no classification provided. Collection method: in vitro. Allele origin: not applicable. Functional consequence: retained intron. Not counted in ClinVar's aggregate classification.

NM_000552.5(VWF):c.7774G>A (p.Gly2592Arg)

Gene: VWF (von Willebrand factor; minus strand). Cytogenetic location: 12p13.31.
Variant type: single nucleotide variant.
Coding change: c.7774G>A on transcript NM_000552.5 (MANE Select); coding-DNA position 7774, G replaced by A.
Protein change: p.Gly2592Arg; replaces glycine 2592 with arginine.
Molecular consequence: missense variant.
Genome position (GRCh38, 1-based): chr12:5,967,599, C>T on the plus strand (G>A on the coding strand, the complement: VWF is on the minus strand). VCF-style: chr12-5967599-C-T. GRCh37 (hg19) VCF-style: chr12-6076765-C-T.
Other names: p.Gly2592Arg; short protein forms G2592R.
Identifiers: ClinVar variation 2682131 (VCV002682131.8), dbSNP rs142316324, ClinGen allele CA6401516.
Genomic context (GRCh38, chr12:5,967,599, plus strand): 5'-TGACCCCCACCTGCACCATGCAGCGGCAGGTCGTGCACACATCGATCATCACAGTCTTCC[C>T]GGGCTGGAAGCAGAGGCACCAGGGTCAGGCCCCCCAGCATCCCCCAACCCCCCACTCACC-3'
Protein context (NP_000543.3, residues 2582-2602): CMLNGTVIGP[Gly2592Arg]KTVMIDVCTT